The following is an entry in ClinVar:

NM_021005.4(NR2F2):c.1234G>T (p.Ala412Ser)

Gene: NR2F2 (nuclear receptor subfamily 2 group F member 2; plus strand). Cytogenetic location: 15q26.2.
Variant type: single nucleotide variant.
Coding change: c.1234G>T on transcript NM_021005.4 (MANE Select); coding-DNA position 1234, G replaced by T.
Protein change: p.Ala412Ser; replaces alanine 412 with serine.
Molecular consequence: missense variant.
Genome position (GRCh38, 1-based): chr15:96,337,611, G>T. VCF-style: chr15-96337611-G-T. GRCh37 (hg19) VCF-style: chr15-96880840-G-T.
Other names: c.835G>T, p.Ala279Ser (NM_001145155.2); c.775G>T, p.Ala259Ser (NM_001145156.1, NM_001145157.2); short protein forms A259S, A279S, A412S.
Identifiers: ClinVar variation 2082452 (VCV002082452.11), dbSNP rs201527820, ClinGen allele CA7750854.

ClinVar aggregate classification (germline): Conflicting classifications of pathogenicity. Review status: criteria provided, conflicting classifications (1 of 4 stars). 2 submissions from 2 submitters: Uncertain significance (1); Likely benign (1). Last evaluated 2025-12-01.

Conditions:
Congenital heart defects, multiple types, 4 (CHTD4). Identifiers: MedGen C4014310, MONDO:0014344, OMIM 615779.

Allele frequency attached by ClinVar (database versions not stated): ESP Exome Variant Server 0.00008; 1000 Genomes Project 30x 0.00016; 1000 Genomes Project 0.00020.
gnomAD v4.1: 21 of 1,611,364 alleles (0.0013%); highest among the groups gnomAD compares: Middle Eastern, 0.017%; no homozygotes.

Submissions (2):

CeGaT Center for Human Genetics Tuebingen
Classification: Likely benign. Last evaluated: 2025-12-01. Review status: criteria provided, single submitter. Criteria: CeGaT Center For Human Genetics Tuebingen Variant Classification Criteria Version 2. Collection method: clinical testing. Allele origin: germline. Affected: yes. Observed: 2 variant alleles.
Comment: NR2F2: PP2, BS2

Labcorp Genetics (formerly Invitae), Labcorp
Classification: Uncertain significance for Congenital heart defects, multiple types, 4. Last evaluated: 2022-10-03. Review status: criteria provided, single submitter. Criteria: Invitae Variant Classification Sherloc (09022015). Collection method: clinical testing. Allele origin: germline.
Comment: Advanced modeling of protein sequence and biophysical properties (such as structural, functional, and spatial information, amino acid conservation, physicochemical variation, residue mobility, and thermodynamic stability) performed at Invitae indicates that this missense variant is not expected to disrupt NR2F2 protein function. In summary, the available evidence is currently insufficient to determine the role of this variant in disease. Therefore, it has been classified as a Variant of Uncertain Significance. This missense change has been observed in individual(s) with atrioventricular septal defect (PMID: 24702954). This variant is present in population databases (rs201527820, gnomAD 0.01%). This sequence change replaces alanine, which is neutral and non-polar, with serine, which is neutral and polar, at codon 412 of the NR2F2 protein (p.Ala412Ser).

Literature cited by the submitters: PubMed 24702954 (cited by Labcorp Genetics (formerly Invitae), Labcorp).